The following is an entry in ClinVar:

ClinVar aggregate classification (germline): Uncertain significance (1 of 4 stars; one submission).

Conditions:
Anterior segment dysgenesis. Also called: Ocular anterior segment dysgenesis. Identifiers: Orphanet 88632, MedGen C1862839, MONDO:0019503, HP:0007700.
Congenital primary aphakia. Also called: Anterior segment dysgenesis 2, multiple subtypes; ANTERIOR SEGMENT DYSGENESIS 2. Identifiers: Orphanet 83461, MedGen C1853230, MONDO:0012456, OMIM 610256.

gnomAD v4.1: 2 of 1,391,524 alleles (0.00014%); highest among the groups gnomAD compares: South Asian, 0.0016%; no homozygotes.

Submission:

Labcorp Genetics (formerly Invitae), Labcorp
Classification: Uncertain significance for Anterior segment dysgenesis; Congenital primary aphakia. Last evaluated: 2025-11-24. Review status: criteria provided, single submitter. Criteria: Invitae Variant Classification Sherloc (09022015). Collection method: clinical testing. Allele origin: germline.
Comment: This sequence change replaces leucine, which is neutral and non-polar, with phenylalanine, which is neutral and non-polar, at codon 286 of the FOXE3 protein (p.Leu286Phe). The frequency data for this variant in the population databases is considered unreliable, as metrics indicate poor data quality at this position in the gnomAD database. This variant has not been reported in the literature in individuals affected with FOXE3-related conditions. An algorithm developed to predict the effect of missense changes on protein structure and function (PolyPhen-2) suggests that this variant is likely to be disruptive. In summary, the available evidence is currently insufficient to determine the role of this variant in disease. Therefore, it has been classified as a Variant of Uncertain Significance.

NM_012186.3(FOXE3):c.856C>T (p.Leu286Phe)

Genes: FOXE3 (forkhead box E3; plus strand), LINC01389 (long independently transcribed non-coding RNA 1389; minus strand). Cytogenetic location: 1p33.
Variant type: single nucleotide variant.
Coding change: c.856C>T on transcript NM_012186.3 (MANE Select); coding-DNA position 856, C replaced by T.
Protein change: p.Leu286Phe; replaces leucine 286 with phenylalanine.
Molecular consequence: missense variant.
Genome position (GRCh38, 1-based): chr1:47,417,171, C>T. VCF-style: chr1-47417171-C-T. GRCh37 (hg19) VCF-style: chr1-47882843-C-T.
Other names: short protein forms L286F.
Identifiers: ClinVar variation 4788195 (VCV004788195.1).